The following is an entry in ClinVar:

NM_001009999.3(KDM1A):c.125C>G (p.Ala42Gly)

Gene: KDM1A (lysine demethylase 1A; plus strand). Cytogenetic location: 1p36.12.
Variant type: single nucleotide variant.
Coding change: c.125C>G on transcript NM_001009999.3 (MANE Select); coding-DNA position 125, C replaced by G.
Protein change: p.Ala42Gly; replaces alanine 42 with glycine.
Molecular consequence: missense variant.
Genome position (GRCh38, 1-based): chr1:23,019,721, C>G. VCF-style: chr1-23019721-C-G. GRCh37 (hg19) VCF-style: chr1-23346214-C-G.
Other names: c.125C>G, p.Ala42Gly (NM_001363654.2, NM_001410762.1, NM_001410763.1 and 1 more transcripts); short protein forms A42G.
Identifiers: ClinVar variation 4042063 (VCV004042063.1).

ClinVar aggregate classification (germline): Uncertain significance (1 of 4 stars; one submission).

Conditions:
Inborn genetic diseases. Identifiers: MedGen C0950123, MeSH D030342.

gnomAD v4.1: 2 of 1,325,356 alleles (0.00015%); highest among the groups gnomAD compares: African/African-American, 0.0015%; no homozygotes.

Submission:

Ambry Genetics
Classification: Uncertain significance for Inborn genetic diseases. Last evaluated: 2025-03-26. Review status: criteria provided, single submitter. Criteria: Ambry Variant Classification Scheme 2023. Collection method: clinical testing. Allele origin: germline.
Comment: The p.A42G variant (also known as c.125C>G), located in coding exon 1 of the KDM1A gene, results from a C to G substitution at nucleotide position 125. The alanine at codon 42 is replaced by glycine, an amino acid with similar properties. This amino acid position is conserved. In addition, this alteration is predicted to be tolerated by in silico analysis. Based on the available evidence, the clinical significance of this variant remains unclear.